The following is an entry in ClinVar:

ClinVar aggregate classification (germline): Pathogenic/Likely pathogenic. Review status: criteria provided, multiple submitters, no conflicts (2 of 4 stars). 3 submissions from 3 submitters: Pathogenic (1); Likely pathogenic (2). Last evaluated 2025-09-08.

Conditions:
Exostoses, multiple, type 1 (EXT1). Also called: EXOSTOSES, MULTIPLE, TYPE I; Hereditary Multiple Osteochondromatosis, Type I. Identifiers: MedGen CN263289, MONDO:0007585, OMIM 133700.
Multiple congenital exostosis (EXT). Also called: Multiple osteochondromas; MULTIPLE CARTILAGINOUS EXOSTOSES; Hereditary multiple osteochondromas; Multiple exostoses; Hereditary multiple exostoses; Hereditary multiple exostosis. Identifiers: Orphanet 321, MedGen C0015306, MONDO:0005508, HP:0002762.

Submissions (3):

Variantyx, Inc.
Classification: Likely pathogenic for Exostoses, multiple, type 1. Last evaluated: 2025-09-08. Review status: criteria provided, single submitter. Criteria: Variantyx Assertion Criteria 2022. Collection method: clinical testing. Allele origin: germline. Inheritance: Autosomal recessive inheritance. Affected: yes.
Comment: This is a nonsynonymous variant in the EXT1 gene (OMIM: 608177). Pathogenic variants in this gene have been associated with autosomal dominant multiple hereditary exostoses, type 1. It lies within a known hotspot for pathogenic variants or a well-established critical functional domain of the EXT1 protein (PMID: 15586175, 20301413, 22820392) (PM1) and Multiple computational algorithms predict a deleterious effect for this variant (REVEL score: 0.884) (PP3). This variant has been reported in at least two unrelated affected individuals (PMID: 19810120, 33632255) (PS4_Moderate) and is absent from control populations (PM2). Based on the current evidence, this variant is classified as likely pathogenic for autosomal dominant multiple hereditary exostoses, type 1.

GeneDx
Classification: Likely pathogenic. Last evaluated: 2025-03-06. Review status: criteria provided, single submitter. Criteria: GeneDx Variant Classification Process June 2021. Collection method: clinical testing. Allele origin: germline. Affected: yes.
Comment: Not observed at significant frequency in large population cohorts (gnomAD); In silico analysis supports that this missense variant has a deleterious effect on protein structure/function; This variant is associated with the following publications: (PMID: 19810120, 33632255, 22820392, 23439489, 37317574)

Labcorp Genetics (formerly Invitae), Labcorp
Classification: Pathogenic for Multiple congenital exostosis. Last evaluated: 2024-05-06. Review status: criteria provided, single submitter. Criteria: Invitae Variant Classification Sherloc (09022015). Collection method: clinical testing. Allele origin: germline.
Comment: This sequence change replaces arginine, which is basic and polar, with glycine, which is neutral and non-polar, at codon 341 of the EXT1 protein (p.Arg341Gly). This variant is not present in population databases (gnomAD no frequency). This missense change has been observed in individual(s) with multiple multiple osteochondromatosis (PMID: 19810120, 23439489, 33632255). ClinVar contains an entry for this variant (Variation ID: 449478). Advanced modeling of protein sequence and biophysical properties (such as structural, functional, and spatial information, amino acid conservation, physicochemical variation, residue mobility, and thermodynamic stability) performed at Invitae indicates that this missense variant is expected to disrupt EXT1 protein function with a positive predictive value of 80%. For these reasons, this variant has been classified as Pathogenic.

Literature cited by the submitters: PubMed 19810120 (cited by Variantyx, Inc. and Labcorp Genetics (formerly Invitae), Labcorp); PubMed 33632255 (cited by Variantyx, Inc. and Labcorp Genetics (formerly Invitae), Labcorp); PubMed 37317574 (cited by Variantyx, Inc.); PubMed 15586175 (cited by Variantyx, Inc.); PubMed 20301413 (cited by Variantyx, Inc.); PubMed 22820392 (cited by Variantyx, Inc.); PubMed 23439489 (cited by Labcorp Genetics (formerly Invitae), Labcorp).

NM_000127.3(EXT1):c.1021A>G (p.Arg341Gly)

Gene: EXT1 (exostosin glycosyltransferase 1; minus strand). Cytogenetic location: 8q24.11.
Variant type: single nucleotide variant.
Coding change: c.1021A>G on transcript NM_000127.3 (MANE Select); coding-DNA position 1021, A replaced by G.
Protein change: p.Arg341Gly; replaces arginine 341 with glycine.
Molecular consequence: missense variant.
Genome position (GRCh38, 1-based): chr8:117,837,143, T>C on the plus strand (A>G on the coding strand, the complement: EXT1 is on the minus strand). VCF-style: chr8-117837143-T-C. GRCh37 (hg19) VCF-style: chr8-118849382-T-C.
Other names: short protein forms R341G.
Identifiers: ClinVar variation 449478 (VCV000449478.15), dbSNP rs1554580149, ClinGen allele CA371893286.